The following is an entry in ClinVar:

NM_001620.3(AHNAK):c.14445G>C (p.Lys4815Asn)

Gene: AHNAK (AHNAK nucleoprotein; minus strand). Cytogenetic location: 11q12.3.
Variant type: single nucleotide variant.
Coding change: c.14445G>C on transcript NM_001620.3 (MANE Select); coding-DNA position 14445, G replaced by C.
Protein change: p.Lys4815Asn; replaces lysine 4815 with asparagine.
Molecular consequence: missense variant. On other transcripts: intron variant (1).
Genome position (GRCh38, 1-based): chr11:62,519,972, C>G on the plus strand (G>C on the coding strand, the complement: AHNAK is on the minus strand). VCF-style: chr11-62519972-C-G. GRCh37 (hg19) VCF-style: chr11-62287444-C-G.
Other names: c.14445G>C, p.Lys4815Asn (NM_001346445.2, NM_001346446.2); c.342+15031G>C (NM_024060.4); short protein forms K4815N.
Identifiers: ClinVar variation 4996647 (VCV004996647.1).
Genomic context (GRCh38, chr11:62,519,972, plus strand): 5'-GGGGCCCTTCAGTTTTGCGTCTGGACCTTCGATATTCACATCTGGAATATCAACGTCCAC[C>G]TTGGGTCCCGAGACATCGATGTCGGCCTTGGGCAGGCTCACATCCACATCTGGACCTTCT-3'
Protein context (NP_001611.1, residues 4805-4825): PKADIDVSGP[Lys4815Asn]VDVDIPDVNI

ClinVar aggregate classification (germline): Uncertain significance (1 of 4 stars; one submission).

Conditions:
AHNAK-related disorder. Also called: AHNAK-related condition.

Submission:

PreventionGenetics, part of Exact Sciences
Classification: Uncertain significance for AHNAK-related condition. Last evaluated: 2025-09-30. Review status: criteria provided, single submitter. Criteria: ACMG Guidelines, 2015. Collection method: clinical testing. Allele origin: germline.
Comment: The AHNAK c.14445G>C variant is predicted to result in the amino acid substitution p.Lys4815Asn. To our knowledge, this variant has not been reported in the literature or in a large population database (gnomAD), indicating this variant is rare. At this time, the clinical significance of this variant is uncertain due to the absence of conclusive functional and genetic evidence.